The following is an entry in ClinVar:

ClinVar aggregate classification (germline): Uncertain significance (1 of 4 stars; one submission).

Conditions:
Gnathodiaphyseal dysplasia (GDD). Also called: GNATHODIAPHYSEAL SCLEROSIS; OSTEOGENESIS IMPERFECTA WITH UNUSUAL SKELETAL LESIONS. Identifiers: Orphanet 53697, MedGen C1833736, MONDO:0008151, OMIM 166260.
Autosomal recessive limb-girdle muscular dystrophy type 2L (LGMDR12). Also called: Limb-girdle muscular dystrophy, type 2L; Limb-Girdle Muscular Dystrophy R12 Anoctamin-5-Related (LGMD-R12); MUSCULAR DYSTROPHY, LIMB-GIRDLE, AUTOSOMAL RECESSIVE 12. Identifiers: Orphanet 206549, MedGen C1969785, MONDO:0012652, OMIM 611307.

Submission:

Labcorp Genetics (formerly Invitae), Labcorp
Classification: Uncertain significance for Autosomal recessive limb-girdle muscular dystrophy type 2L; Gnathodiaphyseal dysplasia. Last evaluated: 2022-04-25. Review status: criteria provided, single submitter. Criteria: Invitae Variant Classification Sherloc (09022015). Collection method: clinical testing. Allele origin: germline.
Comment: This variant results in a copy number gain of the genomic region encompassing exon(s) 21-22 of the ANO5 gene. This region includes the termination codon of the gene. This copy number gain extends beyond the assayed region for this gene and therefore may encompass additional genes. As the precise location of this event is unknown, it may be in tandem or it may be located elsewhere in the genome. This variant has not been reported in the literature in individuals affected with ANO5-related conditions. In summary, the available evidence is currently insufficient to determine the role of this variant in disease. Therefore, it has been classified as a Variant of Uncertain Significance.

NC_000011.9:g.(?_22297620)_(22301311_?)dup

Gene: ANO5 (anoctamin 5; plus strand). Cytogenetic location: 11p14.3.
Variant type: Duplication.
Identifiers: ClinVar variation 2427787 (VCV002427787.5).